The following is an entry in ClinVar:

NM_002907.4(RECQL):c.1772_1773insT (p.Ser593fs)

Genes: PYROXD1 (pyridine nucleotide-disulphide oxidoreductase domain 1; plus strand), RECQL (RecQ like helicase; minus strand). Cytogenetic location: 12p12.1.
Variant type: Insertion.
Coding change: c.1772_1773insT on transcript NM_002907.4 (MANE Select); coding-DNA positions 1772 to 1773, T inserted.
Protein change: p.Ser593fs; shifts the reading frame from serine 593.
Molecular consequence: frameshift variant. On other transcripts: 3 prime UTR variant (3).
Genome position: GRCh38 VCF-style: chr12-21470993-T-TA. GRCh37 (hg19) VCF-style: chr12-21623927-T-TA.
Other names: c.1772_1773insT, p.Ser593fs (NM_032941.3); c.*2239_*2240insA (NM_001350912.2, NM_001350913.2, NM_024854.5); short protein forms S593fs.
Identifiers: ClinVar variation 1426044 (VCV001426044.6), dbSNP rs2137311401, ClinGen allele CA2573148362.

ClinVar aggregate classification (germline): Uncertain significance (1 of 4 stars; one submission).

Submission:

Labcorp Genetics (formerly Invitae), Labcorp
Classification: Uncertain significance. Last evaluated: 2020-12-15. Review status: criteria provided, single submitter. Criteria: Invitae Variant Classification Sherloc (09022015). Collection method: clinical testing. Allele origin: germline.
Comment: In summary, the available evidence is currently insufficient to determine the role of this variant in disease. Therefore, it has been classified as a Variant of Uncertain Significance. This variant has not been reported in the literature in individuals with RECQL-related conditions. This variant is not present in population databases (ExAC no frequency). This sequence change creates a premature translational stop signal (p.Ser593Valfs*9) in the RECQL gene. While this is not anticipated to result in nonsense mediated decay, it is expected to disrupt the last 57 amino acid(s) of the RECQL protein.